The following is an entry in ClinVar:

NM_003640.5(ELP1):c.3874A>C (p.Thr1292Pro)

Gene: ELP1 (elongator acetyltransferase complex subunit 1; minus strand). Cytogenetic location: 9q31.3.
Variant type: single nucleotide variant.
Coding change: c.3874A>C on transcript NM_003640.5 (MANE Select); coding-DNA position 3874, A replaced by C.
Protein change: p.Thr1292Pro; replaces threonine 1292 with proline.
Molecular consequence: missense variant.
Genome position (GRCh38, 1-based): chr9:108,874,952, T>G on the plus strand (A>C on the coding strand, the complement: ELP1 is on the minus strand). VCF-style: chr9-108874952-T-G. GRCh37 (hg19) VCF-style: chr9-111637232-T-G.
Other names: c.3532A>C, p.Thr1178Pro (NM_001318360.2); c.2827A>C, p.Thr943Pro (NM_001330749.2); short protein forms T1178P, T1292P, T943P.
Identifiers: ClinVar variation 2721470 (VCV002721470.4), dbSNP rs945633667, ClinGen allele CA197517804.

ClinVar aggregate classification (germline): Uncertain significance. Review status: criteria provided, multiple submitters, no conflicts (2 of 4 stars). 2 submissions from 2 submitters: Uncertain significance (2). Last evaluated 2024-04-20.

Conditions:
Familial dysautonomia. Also called: HSAN III; FD. Identifiers: Orphanet 1764, MedGen C0013364, MONDO:0009131, OMIM 223900. Disease mechanism: loss of function.
Medulloblastoma (MDB). Also called: MEDULLOBLASTOMA PREDISPOSITION SYNDROME; Medulloblastoma, somatic. Identifiers: Orphanet 616, MedGen C0025149, MeSH D008527, MONDO:0007959, OMIM 155255, HP:0002885.

Allele frequency attached by ClinVar (database versions not stated): gnomAD exomes below 0.00001; TOPMed below 0.00001.
gnomAD v4.1: 3 of 1,611,616 alleles (0.00019%); highest among the groups gnomAD compares: Non-Finnish European, 0.00025%; no homozygotes.

Submissions (2):

Fulgent Genetics
Classification: Uncertain significance for Medulloblastoma; Familial dysautonomia. Last evaluated: 2024-04-20. Review status: criteria provided, single submitter. Criteria: ACMG Guidelines, 2015. Collection method: clinical testing. Allele origin: germline.

Labcorp Genetics (formerly Invitae), Labcorp
Classification: Uncertain significance. Last evaluated: 2024-02-01. Review status: criteria provided, single submitter. Criteria: Invitae Variant Classification Sherloc (09022015). Collection method: clinical testing. Allele origin: germline.
Comment: This sequence change replaces threonine, which is neutral and polar, with proline, which is neutral and non-polar, at codon 1292 of the ELP1 protein (p.Thr1292Pro). This variant is not present in population databases (gnomAD no frequency). This variant has not been reported in the literature in individuals affected with ELP1-related conditions. An algorithm developed to predict the effect of missense changes on protein structure and function (PolyPhen-2) suggests that this variant is likely to be disruptive. In summary, the available evidence is currently insufficient to determine the role of this variant in disease. Therefore, it has been classified as a Variant of Uncertain Significance.